The following is an entry in ClinVar:

ClinVar aggregate classification (germline): Pathogenic. Review status: criteria provided, multiple submitters, no conflicts (2 of 4 stars). 4 submissions from 4 submitters: Pathogenic (3). 1 of the submissions does not count toward it. Last evaluated 2025-09-11.
ClinVar aggregate classification (oncogenicity): Oncogenic (1 of 4 stars; one submission).

Conditions:
Hereditary cancer-predisposing syndrome. Also called: Tumor predisposition; Neoplastic Syndromes, Hereditary; Hereditary neoplastic syndrome; Hereditary Cancer Syndrome. Identifiers: Orphanet 140162, MedGen C0027672, MeSH D009386, MONDO:0015356.
Malignant tumor of urinary bladder. Also called: Urinary bladder cancer; Bladder cancer; Urinary Bladder Neoplasms. Identifiers: MedGen C0005684, MONDO:0001187, OMIM 109800.
Familial melanoma. Also called: Hereditary melanoma; Hereditary cutaneous melanoma. Identifiers: Orphanet 618, MedGen C1512419, MONDO:0018961.
Neoplasm. Also called: Neoplasms; Neoplasm (disease); tumor. Identifiers: MedGen C0027651, MeSH D009369, MONDO:0005070, HP:0002664.

Submissions (5):

Ambry Genetics
Classification: Pathogenic for Hereditary cancer-predisposing syndrome. Last evaluated: 2025-09-11. Review status: criteria provided, single submitter. Criteria: Ambry Variant Classification Scheme 2023. Collection method: clinical testing. Allele origin: germline.
Comment: The p.R58* pathogenic mutation (also known as c.172C>T), located in coding exon 2 of the CDKN2A gene, results from a C to T substitution at nucleotide position 172. This changes the amino acid from an arginine to a stop codon within coding exon 2. Of note, this variant is also known as c.215C>T (p.P72L) in the p14(ARF) isoform. This variant was reported in individual(s) with features consistent with melanoma-pancreatic cancer syndrome (Hussussian CJ et al. Nat Genet, 1994 Sep;8:15-21; Parry D et al. Mol Cell Biol, 1996 Jul;16:3844-52). This variant is considered to be rare based on population cohorts in the Genome Aggregation Database (gnomAD). This alteration is expected to result in loss of function by premature protein truncation or nonsense-mediated mRNA decay. As such, this alteration is interpreted as a disease-causing mutation.

Center for Genomic Medicine, Rigshospitalet, Copenhagen University Hospital
Classification: Oncogenic for Neoplasm. Last evaluated: 2025-03-04. Review status: criteria provided, single submitter. Criteria: ClinGen/CGC/VICC Guidelines for Oncogenicity, 2022. Collection method: clinical testing. Allele origin: somatic. Affected: yes.

Labcorp Genetics (formerly Invitae), Labcorp
Classification: Pathogenic for Familial melanoma. Last evaluated: 2024-03-04. Review status: criteria provided, single submitter. Criteria: Invitae Variant Classification Sherloc (09022015). Collection method: clinical testing. Allele origin: germline.
Comment: The CDKN2A gene encodes two different proteins, p16INK4a and p14ARF, which are translated from alternative transcripts with different open reading frames. Both transcripts have been analyzed. We report either the variant with the higher classification or default to the CDKN2A (p16INK4a) variant. This report therefore includes the details for the CDKN2A (p16INK4a) variant. This sequence change creates a premature translational stop signal (p.Arg58*) in the CDKN2A (p16INK4a) gene. It is expected to result in an absent or disrupted protein product. Loss-of-function variants in CDKN2A (p16INK4a) are known to be pathogenic (PMID: 15146471, 16905682). This variant is not present in population databases (gnomAD no frequency). This premature translational stop signal has been observed in individual(s) with melanoma (PMID: 7987387, 18983535). It has also been observed to segregate with disease in related individuals. This variant is also known as p.Arg50Ter in the CDKN2A (p16INK4a) transcript and c.215C>T (p.Pro72Leu) in the CDKN2A (p14ARF) transcript. ClinVar contains an entry for this variant (Variation ID: 376310). Algorithms developed to predict the effect of variants on protein structure and function are not available or were not evaluated for this variant. Experimental studies have shown that this premature translational stop signal affects CDKN2A (p16INK4a) function (PMID: 8668202). For these reasons, this variant has been classified as Pathogenic. While the evidence indicates that this variant confers risk of developing CDKN2A (p16INK4a)-associated conditions, its association with risk for developing CDKN2A (p14ARF)-associated conditions is still unclear.

Women's Health and Genetics/Laboratory Corporation of America, LabCorp
Classification: Pathogenic for Familial melanoma. Last evaluated: 2023-07-10. Review status: criteria provided, single submitter. Criteria: LabCorp Variant Classification Summary - May 2015. Collection method: clinical testing. Allele origin: germline.
Comment: Variant summary: CDKN2A c.172C>T (p.Arg58X) results in a premature termination codon, predicted to cause absence of the protein due to nonsense mediated decay, a commonly known mechanism for disease. The variant was absent in 219734 control chromosomes (gnomAD). c.172C>T has been reported in the literature in individuals affected with Cutaneous Malignant Melanoma (e.g. Hussussian_1994). These data indicate that the variant is likely to be associated with disease. The following publication has been ascertained in the context of this evaluation (PMID: 7987387). Two submitters have cited clinical-significance assessments for this variant to ClinVar after 2014 and both classified the variant as pathogenic. Based on the evidence outlined above, the variant was classified as pathogenic.

Laboratory of Urology, Hospital Clinic de Barcelona
Classification: Pathogenic for Malignant tumor of urinary bladder. Review status: no assertion criteria provided. Collection method: research. Allele origin: somatic. Affected: yes. Not counted in ClinVar's aggregate classification.

Literature cited by the submitters: PubMed 7987387 (cited by 3 submitters); PubMed 8668202 (cited by 3 submitters); PubMed 15146471 (cited by Labcorp Genetics (formerly Invitae), Labcorp); PubMed 16905682 (cited by Labcorp Genetics (formerly Invitae), Labcorp); PubMed 18983535 (cited by Labcorp Genetics (formerly Invitae), Labcorp).

NM_000077.5(CDKN2A):c.172C>T (p.Arg58Ter)

Gene: CDKN2A (cyclin dependent kinase inhibitor 2A; minus strand). Cytogenetic location: 9p21.3.
Variant type: single nucleotide variant.
Coding change: c.172C>T on transcript NM_000077.5; coding-DNA position 172, C replaced by T.
Protein change: p.Arg58Ter; replaces arginine 58 with a stop codon.
Molecular consequence: nonsense (on NM_000077.6). On other transcripts: missense variant (1), 3 prime UTR variant (1).
Genome position (GRCh38, 1-based): chr9:21,971,187, G>A on the plus strand (C>T on the coding strand, the complement: CDKN2A is on the minus strand). VCF-style: chr9-21971187-G-A. GRCh37 (hg19) VCF-style: chr9-21971186-G-A.
Other names: c.172C>T, p.Arg58Ter (NM_000077.6, NM_001195132.2); c.19C>T, p.Arg7Ter (NM_001363763.2); c.215C>T, p.Pro72Leu (NM_058195.4); c.*95C>T (NM_058197.5); short protein forms P72L, R58*, R7*.
Identifiers: ClinVar variation 376310 (VCV000376310.17), dbSNP rs121913387, ClinGen allele CA16602756.
Genomic context (GRCh38, chr9:21,971,187, plus strand): 5'-GAGTGGCGGGGTCGGCGCAGTTGGGCTCCGCGCCGTGGAGCAGCAGCAGCTCCGCCACTC[G>A]GGCGCTGCCCATCATCATGACCTGCCAGAGAGAACAGAATGGTCAGAGCCAGGGTGGGGG-3'